The following is an entry in ClinVar:

NM_006000.3(TUBA4A):c.978G>A (p.Lys326=)

Gene: TUBA4A (tubulin alpha 4a; minus strand). Cytogenetic location: 2q35.
Variant type: single nucleotide variant.
Coding change: c.978G>A on transcript NM_006000.3 (MANE Select); coding-DNA position 978, G replaced by A.
Protein change: p.Lys326=; no amino-acid change (lysine 326 retained).
Molecular consequence: synonymous variant.
Genome position (GRCh38, 1-based): chr2:219,250,721, C>T on the plus strand (G>A on the coding strand, the complement: TUBA4A is on the minus strand). VCF-style: chr2-219250721-C-T. GRCh37 (hg19) VCF-style: chr2-220115443-C-T.
Other names: c.933G>A, p.Lys311= (NM_001278552.2).
Identifiers: ClinVar variation 4986205 (VCV004986205.1).

ClinVar aggregate classification (germline): Likely benign (1 of 4 stars; one submission).

Conditions:
TUBA4A-related disorder. Also called: TUBA4A-related condition.

Submission:

PreventionGenetics, part of Exact Sciences
Classification: Likely benign for TUBA4A-related condition. Last evaluated: 2026-07-13. Review status: criteria provided, single submitter. Criteria: ACMG Guidelines, 2015. Collection method: clinical testing. Allele origin: germline.
Comment: This variant is classified as likely benign based on ACMG/AMP sequence variant interpretation guidelines (Richards et al. 2015 PMID: 25741868, with internal and published modifications).